The following is an entry in ClinVar:

NM_003803.4(MYOM1):c.302C>G (p.Ser101Cys)

Gene: MYOM1 (myomesin 1; minus strand). Cytogenetic location: 18p11.31.
Variant type: single nucleotide variant.
Coding change: c.302C>G on transcript NM_003803.4 (MANE Select); coding-DNA position 302, C replaced by G.
Protein change: p.Ser101Cys; replaces serine 101 with cysteine.
Molecular consequence: missense variant.
Genome position (GRCh38, 1-based): chr18:3,193,947, G>C on the plus strand (C>G on the coding strand, the complement: MYOM1 is on the minus strand). VCF-style: chr18-3193947-G-C. GRCh37 (hg19) VCF-style: chr18-3193945-G-C.
Other names: c.302C>G, p.Ser101Cys (NM_019856.2); short protein forms S101C.
Identifiers: ClinVar variation 4860676 (VCV004860676.1).

ClinVar aggregate classification (germline): Uncertain significance (1 of 4 stars; one submission).

gnomAD v4.1: 1 of 1,613,272 alleles (0.000062%); highest among the groups gnomAD compares: African/African-American, 0.0013%; no homozygotes.

Submission:

Ambry Genetics
Classification: Uncertain significance. Last evaluated: 2026-04-11. Review status: criteria provided, single submitter. Criteria: Ambry Variant Classification Scheme 2023. Collection method: clinical testing. Allele origin: germline.
Comment: The p.S101C variant (also known as c.302C>G), located in coding exon 2 of the MYOM1 gene, results from a C to G substitution at nucleotide position 302. The serine at codon 101 is replaced by cysteine, an amino acid with dissimilar properties. This amino acid position is conserved. In addition, this alteration is predicted to be tolerated by in silico analysis. Based on the available evidence, the clinical significance of this variant remains unclear.